The following is an entry in ClinVar:

ClinVar aggregate classification (germline): Uncertain significance (1 of 4 stars; one submission).

Submission:

Ambry Genetics
Classification: Uncertain significance. Last evaluated: 2025-11-04. Review status: criteria provided, single submitter. Criteria: Ambry Variant Classification Scheme 2023. Collection method: clinical testing. Allele origin: germline.
Comment: The c.1826_1827delTCinsAG variant, located in coding exon 9 of the ATRIP gene, results from an in-frame deletion of TC and insertion of AG at nucleotide positions 1826 to 1827. This results in the substitution of the leucine residue for a glutamine residue at codon 609, an amino acid with dissimilar properties. This amino acid position is highly conserved in available vertebrate species. In addition, the in silico prediction for this variant is inconclusive (Choi Y et al. PLoS ONE. 2012; 7(10):e46688). The evidence for this gene-disease relationship is limited; therefore, the clinical significance of this alteration is unclear.

NM_130384.3(ATRIP):c.1826_1827delinsAG (p.Leu609Gln)

Genes: ATRIP (ATR interacting protein; plus strand), ATRIP-TREX1 (ATRIP-TREX1 readthrough; plus strand). Cytogenetic location: 3p21.31.
Variant type: Indel.
Coding change: c.1826_1827delinsAG on transcript NM_130384.3 (MANE Select); coding-DNA positions 1826 to 1827, TC replaced by AG.
Protein change: p.Leu609Gln; replaces leucine 609 with glutamine.
Molecular consequence: missense variant. On other transcripts: non-coding transcript variant (1).
Genome position (GRCh38, 1-based): chr3:48,463,825-48,463,826, TC replaced by AG. VCF-style: chr3-48463825-TC-AG. GRCh37 (hg19) VCF-style: chr3-48505224-TC-AG.
Other names: c.1445_1446delinsAG, p.Leu482Gln (NM_001271022.2); c.1547_1548delinsAG, p.Leu516Gln (NM_001271023.2); c.1826_1827delinsAG, p.Leu609Gln (NM_032166.4); short protein forms L482Q, L516Q, L609Q.
Identifiers: ClinVar variation 4644497 (VCV004644497.1).